The following is an entry in ClinVar:

ClinVar aggregate classification (germline): Uncertain significance. Review status: criteria provided, multiple submitters, no conflicts (2 of 4 stars). 4 submissions from 4 submitters: Uncertain significance (3). 1 of the submissions does not count toward it. Last evaluated 2022-09-13.

Conditions:
Alstrom syndrome (ALMS). Identifiers: Orphanet 64, MedGen C0268425, MONDO:0008763, OMIM 203800.

Allele frequency attached by ClinVar (database versions not stated): gnomAD exomes 0.00001; ExAC 0.00002; TOPMed 0.00002.
gnomAD v4.1: 7 of 1,614,074 alleles (0.00043%); highest among the groups gnomAD compares: Non-Finnish European, 0.00059%; no homozygotes.

Submissions (4):

Labcorp Genetics (formerly Invitae), Labcorp
Classification: Uncertain significance for Alstrom syndrome. Last evaluated: 2022-09-13. Review status: criteria provided, single submitter. Criteria: Invitae Variant Classification Sherloc (09022015). Collection method: clinical testing. Allele origin: germline.
Comment: This sequence change replaces glutamine, which is neutral and polar, with arginine, which is basic and polar, at codon 417 of the ALMS1 protein (p.Gln417Arg). This variant is present in population databases (rs777072028, gnomAD 0.003%). This variant has not been reported in the literature in individuals affected with ALMS1-related conditions. ClinVar contains an entry for this variant (Variation ID: 389547). Experimental studies and prediction algorithms are not available or were not evaluated, and the functional significance of this variant is currently unknown. In summary, the available evidence is currently insufficient to determine the role of this variant in disease. Therefore, it has been classified as a Variant of Uncertain Significance.

Blueprint Genetics
Classification: Uncertain significance. Last evaluated: 2021-11-17. Review status: criteria provided, single submitter. Criteria: ACMG Guidelines, 2015. Collection method: clinical testing. Allele origin: germline.

GeneDx
Classification: Uncertain significance. Last evaluated: 2016-09-27. Review status: criteria provided, single submitter. Criteria: GeneDx Variant Classification (06012015). Collection method: clinical testing. Allele origin: germline. Affected: yes.
Comment: A variant of uncertain significance has been identified in the ALMS1 gene. The Q417R variant has not been published as a pathogenic variant, nor has it been reported as a benign variant to our knowledge. The Q417R variant was not observed in approximately 6,100 individuals of European and African American ancestry in the NHLBI Exome Sequencing Project, indicating it is not a common benign variant in these populations. The Q417R variant is a semi-conservative amino acid substitution, which may impact secondary protein structure as these residues differ in some properties. However, this substitution occurs at a position that is not conserved across species. Finally, in silico analysis is inconsistent in its predictions as to whether or not the variant is damaging to the protein structure/function. Therefore, based on the currently available information, it is unclear whether this variant is pathogenic or rare benign.

Natera, Inc.
Classification: Uncertain significance for Alstrom syndrome. Last evaluated: 2021-04-05. Review status: no assertion criteria provided. Collection method: clinical testing. Allele origin: germline. Not counted in ClinVar's aggregate classification.

NM_001378454.1(ALMS1):c.1247A>G (p.Gln416Arg)

Gene: ALMS1 (ALMS1 centrosome and basal body associated protein; plus strand). Cytogenetic location: 2p13.1.
Variant type: single nucleotide variant.
Coding change: c.1247A>G on transcript NM_001378454.1 (MANE Select); coding-DNA position 1247, A replaced by G.
Protein change: p.Gln416Arg; replaces glutamine 416 with arginine.
Molecular consequence: missense variant.
Genome position (GRCh38, 1-based): chr2:73,426,462, A>G. VCF-style: chr2-73426462-A-G. GRCh37 (hg19) VCF-style: chr2-73653590-A-G.
Other names: c.1250A>G, p.Gln417Arg (NM_015120.4); short protein forms Q417R, Q416R.
Identifiers: ClinVar variation 389547 (VCV000389547.13), dbSNP rs777072028, ClinGen allele CA1713098.